The following is an entry in ClinVar:

NM_002473.6(MYH9):c.4999C>T (p.Gln1667Ter)

Gene: MYH9 (myosin heavy chain 9; minus strand). Cytogenetic location: 22q12.3.
Variant type: single nucleotide variant.
Coding change: c.4999C>T on transcript NM_002473.6 (MANE Select); coding-DNA position 4999, C replaced by T.
Protein change: p.Gln1667Ter; replaces glutamine 1667 with a stop codon.
Molecular consequence: nonsense.
Genome position (GRCh38, 1-based): chr22:36,286,780, G>A on the plus strand (C>T on the coding strand, the complement: MYH9 is on the minus strand). VCF-style: chr22-36286780-G-A. GRCh37 (hg19) VCF-style: chr22-36682826-G-A.
Other names: short protein forms Q1667*.
Identifiers: ClinVar variation 5000038 (VCV005000038.1).

ClinVar aggregate classification (germline): Likely pathogenic (1 of 4 stars; one submission).

Conditions:
MYH9-related disorder. Identifiers: MedGen C1854520.

Submission:

PreventionGenetics, part of Exact Sciences
Classification: Likely pathogenic for MYH9-related condition. Last evaluated: 2025-02-10. Review status: criteria provided, single submitter. Criteria: ACMG Guidelines, 2015. Collection method: clinical testing. Allele origin: germline.
Comment: The MYH9 c.4999C>T variant is predicted to result in premature protein termination (p.Gln1667*). To our knowledge, this variant has not been reported in the literature or in a large population database (gnomAD), indicating this variant is rare. Nonsense variants in MYH9 are expected to be pathogenic. This variant is interpreted as likely pathogenic.